The following is an entry in ClinVar:

NM_001145809.2(MYH14):c.4627G>A (p.Ala1543Thr)

Gene: MYH14 (myosin heavy chain 14; plus strand). Cytogenetic location: 19q13.33.
Variant type: single nucleotide variant.
Coding change: c.4627G>A on transcript NM_001145809.2 (MANE Select); coding-DNA position 4627, G replaced by A.
Protein change: p.Ala1543Thr; replaces alanine 1543 with threonine.
Molecular consequence: missense variant.
Genome position (GRCh38, 1-based): chr19:50,286,569, G>A. VCF-style: chr19-50286569-G-A. GRCh37 (hg19) VCF-style: chr19-50789826-G-A.
Other names: c.4528G>A, p.Ala1510Thr (NM_001077186.2); c.4504G>A, p.Ala1502Thr (NM_024729.4); short protein forms A1502T, A1510T, A1543T.
Identifiers: ClinVar variation 1310662 (VCV001310662.2), dbSNP rs2123437565, ClinGen allele CA406959069.

ClinVar aggregate classification (germline): Uncertain significance (1 of 4 stars; one submission).

Submission:

GeneDx
Classification: Uncertain significance. Last evaluated: 2019-09-06. Review status: criteria provided, single submitter. Criteria: GeneDx Variant Classification Process June 2021. Collection method: clinical testing. Allele origin: germline. Affected: yes.
Comment: Not observed in large population cohorts (Lek et al., 2016); In silico analysis, which includes protein predictors and evolutionary conservation, supports that this variant does not alter protein structure/function; Has not been previously published as pathogenic or benign to our knowledge